The following is an entry in ClinVar:

NM_002074.5(GNB1):c.586A>G (p.Thr196Ala)

Gene: GNB1 (G protein subunit beta 1; minus strand). Cytogenetic location: 1p36.33.
Variant type: single nucleotide variant.
Coding change: c.586A>G on transcript NM_002074.5 (MANE Select); coding-DNA position 586, A replaced by G.
Protein change: p.Thr196Ala; replaces threonine 196 with alanine.
Molecular consequence: missense variant.
Genome position (GRCh38, 1-based): chr1:1,790,508, T>C on the plus strand (A>G on the coding strand, the complement: GNB1 is on the minus strand). VCF-style: chr1-1790508-T-C. GRCh37 (hg19) VCF-style: chr1-1721947-T-C.
Other names: c.286A>G, p.Thr96Ala (NM_001282538.2); c.586A>G, p.Thr196Ala (NM_001282539.2); short protein forms T96A, T196A.
Identifiers: ClinVar variation 2803121 (VCV002803121.3), dbSNP rs757075718, ClinGen allele CA531979.

ClinVar aggregate classification (germline): Uncertain significance (1 of 4 stars; one submission).

Allele frequency attached by ClinVar (database versions not stated): ExAC 0.00004.
gnomAD v4.1: 9 of 1,613,472 alleles (0.00056%); highest among the groups gnomAD compares: African/African-American, 0.0027%; no homozygotes.

Submission:

Labcorp Genetics (formerly Invitae), Labcorp
Classification: Uncertain significance. Last evaluated: 2023-05-05. Review status: criteria provided, single submitter. Criteria: Invitae Variant Classification Sherloc (09022015). Collection method: clinical testing. Allele origin: germline.
Comment: In summary, the available evidence is currently insufficient to determine the role of this variant in disease. Therefore, it has been classified as a Variant of Uncertain Significance. Advanced modeling of protein sequence and biophysical properties (such as structural, functional, and spatial information, amino acid conservation, physicochemical variation, residue mobility, and thermodynamic stability) performed at Invitae indicates that this missense variant is not expected to disrupt GNB1 protein function. This variant has not been reported in the literature in individuals affected with GNB1-related conditions. This variant is present in population databases (rs757075718, gnomAD 0.007%). This sequence change replaces threonine, which is neutral and polar, with alanine, which is neutral and non-polar, at codon 196 of the GNB1 protein (p.Thr196Ala).